The following is an entry in ClinVar:

ClinVar aggregate classification (germline): Uncertain significance (1 of 4 stars; one submission).

Conditions:
Marfan syndrome (MFS). Also called: MARFAN SYNDROME, TYPE I; Marfan syndrome type 1; Marfan's syndrome; Marfan syndrome, classic; FBN1-Related Marfan Syndrome. Identifiers: Orphanet 284963, Orphanet 558, MedGen C0024796, MONDO:0007947, OMIM 154700.
Familial thoracic aortic aneurysm and aortic dissection (TAAD). Also called: Thoracic aortic aneurysms and dissections. Identifiers: Orphanet 91387, MedGen C4707243, MONDO:0019625.

gnomAD v4.1: 1 of 1,614,188 alleles (0.000062%); highest among the groups gnomAD compares: Middle Eastern, 0.017%; no homozygotes.

Submission:

Labcorp Genetics (formerly Invitae), Labcorp
Classification: Uncertain significance for Marfan syndrome; Familial thoracic aortic aneurysm and aortic dissection. Last evaluated: 2025-01-09. Review status: criteria provided, single submitter. Criteria: Invitae Variant Classification Sherloc (09022015). Collection method: clinical testing. Allele origin: germline.
Comment: This sequence change replaces leucine, which is neutral and non-polar, with arginine, which is basic and polar, at codon 879 of the FBN1 protein (p.Leu879Arg). This variant is not present in population databases (gnomAD no frequency). This variant has not been reported in the literature in individuals affected with FBN1-related conditions. Invitae Evidence Modeling of protein sequence and biophysical properties (such as structural, functional, and spatial information, amino acid conservation, physicochemical variation, residue mobility, and thermodynamic stability) indicates that this missense variant is expected to disrupt FBN1 protein function with a positive predictive value of 95%. This variant disrupts the p.Leu879 amino acid residue in FBN1. Other variant(s) that disrupt this residue have been determined to be pathogenic (internal data). This suggests that this residue is clinically significant, and that variants that disrupt this residue are likely to be disease-causing. In summary, the available evidence is currently insufficient to determine the role of this variant in disease. Therefore, it has been classified as a Variant of Uncertain Significance.

NM_000138.5(FBN1):c.2636T>G (p.Leu879Arg)

Gene: FBN1 (fibrillin 1; minus strand). Cytogenetic location: 15q21.1.
Variant type: single nucleotide variant.
Coding change: c.2636T>G on transcript NM_000138.5 (MANE Select); coding-DNA position 2636, T replaced by G.
Protein change: p.Leu879Arg; replaces leucine 879 with arginine.
Molecular consequence: missense variant.
Genome position (GRCh38, 1-based): chr15:48,495,164, A>C on the plus strand (T>G on the coding strand, the complement: FBN1 is on the minus strand). VCF-style: chr15-48495164-A-C. GRCh37 (hg19) VCF-style: chr15-48787361-A-C.
Other names: c.2636T>G, p.Leu879Arg (NM_001406716.1); short protein forms L879R.
Identifiers: ClinVar variation 3761082 (VCV003761082.2).
Genomic context (GRCh38, chr15:48,495,164, plus strand): 5'-CAGCATGGGTTTCTCTTACCAACTTGGCATAGGGTGCACGGGCTTCCCCACGCAGCACCG[A>C]GGGAGGAGCAGCACTGGGACTTTAAGGTGGCTCCATTGATGTTGATCTCACATCGCCCAT-3'
Protein context (NP_000129.3, residues 869-889): ATLKSQCCSS[Leu879Arg]GAAWGSPCTL